The following is an entry in ClinVar:

NM_000168.6(GLI3):c.4703_4715delinsTCCGCT (p.Ser1568fs)

Gene: GLI3 (GLI family zinc finger 3; minus strand). Cytogenetic location: 7p14.1.
Variant type: Indel.
Coding change: c.4703_4715delinsTCCGCT on transcript NM_000168.6 (MANE Select); coding-DNA positions 4703 to 4715, CCCTAGCGGAAGA replaced by TCCGCT.
Protein change: p.Ser1568fs; shifts the reading frame from serine 1568.
Molecular consequence: frameshift variant.
Genome position (GRCh38, 1-based): chr7:41,964,358-41,964,370, TCTTCCGCTAGGG replaced by AGCGGA on the plus strand (CCCTAGCGGAAGA replaced by TCCGCT on the coding strand, the reverse complement: GLI3 is on the minus strand). VCF-style: chr7-41964358-TCTTCCGCTAGGG-AGCGGA. GRCh37 (hg19) VCF-style: chr7-42003956-TCTTCCGCTAGGG-AGCGGA.
Other names: short protein forms S1568fs.
Identifiers: ClinVar variation 5001601 (VCV005001601.1).

ClinVar aggregate classification (germline): Uncertain significance (1 of 4 stars; one submission).

Conditions:
GLI3-related disorder. Also called: GLI3-related condition; GLI3-related disorders. Identifiers: MedGen CN239292.

Submission:

PreventionGenetics, part of Exact Sciences
Classification: Uncertain significance for GLI3-related condition. Last evaluated: 2025-06-27. Review status: criteria provided, single submitter. Criteria: ACMG Guidelines, 2015. Collection method: clinical testing. Allele origin: germline.
Comment: The GLI3 c.4703_4715delinsTCCGCT variant is predicted to result in a frameshift and premature protein termination (p.Ser1568Phefs*3). To our knowledge, this variant has not been reported in the literature or in a large population database (gnomAD), indicating this variant is rare. Frameshift variants in GLI3 are expected to be pathogenic. However, this variant is in the final exon of GLI3 and no variants downstream have been reported as pathogenic/likely pathogenic in ClinVar. Although we suspect that this variant may be pathogenic, at this time, the clinical significance of this variant is uncertain due to the absence of conclusive functional and genetic evidence.